The following is an entry in ClinVar:

NM_022725.4(FANCF):c.494C>T (p.Thr165Ile)

Gene: FANCF (FA complementation group F; minus strand). Cytogenetic location: 11p14.3.
Variant type: single nucleotide variant.
Coding change: c.494C>T on transcript NM_022725.4 (MANE Select); coding-DNA position 494, C replaced by T.
Protein change: p.Thr165Ile; replaces threonine 165 with isoleucine.
Molecular consequence: missense variant.
Genome position (GRCh38, 1-based): chr11:22,625,317, G>A on the plus strand (C>T on the coding strand, the complement: FANCF is on the minus strand). VCF-style: chr11-22625317-G-A. GRCh37 (hg19) VCF-style: chr11-22646863-G-A.
Other names: short protein forms T165I.
Identifiers: ClinVar variation 2069265 (VCV002069265.4), dbSNP rs2133797620, ClinGen allele CA380058926.
Genomic context (GRCh38, chr11:22,625,317, plus strand): 5'-GGACGCTCCGCTTCGGCCTTCCCCACCTCCTGCAGACGCTCCAGCAGCAGCTCCGCCTGG[G>A]TCTTCATCAGAGAGTCCTCCTGGAGATTTGGGTTCTCTCTATAGCCATTGAAGCGCAGCA-3'
Protein context (NP_073562.1, residues 155-175): PNLQEDSLMK[Thr165Ile]QAELLLERLQ

ClinVar aggregate classification (germline): Uncertain significance (1 of 4 stars; one submission).

Conditions:
Fanconi anemia (FA). Also called: Fanconi's anemia. Identifiers: Orphanet 84, MedGen C0015625, MeSH D005199, MONDO:0019391.

Allele frequency attached by ClinVar (database versions not stated): gnomAD exomes below 0.00001.
gnomAD v4.1: 3 of 1,614,236 alleles (0.00019%); highest among the groups gnomAD compares: Non-Finnish European, 0.00017%; no homozygotes.

Submission:

Labcorp Genetics (formerly Invitae), Labcorp
Classification: Uncertain significance for Fanconi anemia. Last evaluated: 2022-09-07. Review status: criteria provided, single submitter. Criteria: Invitae Variant Classification Sherloc (09022015). Collection method: clinical testing. Allele origin: germline.
Comment: This sequence change replaces threonine, which is neutral and polar, with isoleucine, which is neutral and non-polar, at codon 165 of the FANCF protein (p.Thr165Ile). This variant is not present in population databases (gnomAD no frequency). This variant has not been reported in the literature in individuals affected with FANCF-related conditions. Algorithms developed to predict the effect of missense changes on protein structure and function are either unavailable or do not agree on the potential impact of this missense change (SIFT: "Tolerated"; PolyPhen-2: "Probably Damaging"; Align-GVGD: "Class C0"). In summary, the available evidence is currently insufficient to determine the role of this variant in disease. Therefore, it has been classified as a Variant of Uncertain Significance.